The following is an entry in ClinVar:

ClinVar aggregate classification (germline): Uncertain significance (1 of 4 stars; one submission).

Submission:

Labcorp Genetics (formerly Invitae), Labcorp
Classification: Uncertain significance. Last evaluated: 2020-11-16. Review status: criteria provided, single submitter. Criteria: Invitae Variant Classification Sherloc (09022015). Collection method: clinical testing. Allele origin: germline.
Comment: In summary, the available evidence is currently insufficient to determine the role of this variant in disease. Therefore, it has been classified as a Variant of Uncertain Significance. Experimental studies and prediction algorithms are not available or were not evaluated, and the functional significance of this variant is currently unknown. This variant has not been reported in the literature in individuals with PRPF4-related conditions. This variant is not present in population databases (ExAC no frequency). This variant, c.223_228del, results in the deletion of 2 amino acid(s) of the PRPF4 protein (p.Ile75_Glu76del), but otherwise preserves the integrity of the reading frame.

NM_001244926.2(PRPF4):c.220_225del (p.Ile74_Glu75del)

Gene: PRPF4 (pre-mRNA splicing tri-snRNP complex factor PRPF4; plus strand). Cytogenetic location: 9q32.
Variant type: Deletion.
Coding change: c.220_225del on transcript NM_001244926.2 (MANE Select); coding-DNA positions 220 to 225, 6 bases deleted (ATTGAA; older notation c.220_225delATTGAA).
Protein change: p.Ile74_Glu75del.
Molecular consequence: inframe deletion. On other transcripts: 5 prime UTR variant (2), non-coding transcript variant (2).
Genome position (GRCh38, 1-based): chr9:113,278,959-113,278,964, ATTGAA deleted; deleting any 6 consecutive bases within chr9:113,278,954-113,278,964 gives the same sequence; the c. name uses the placement nearest the transcript's 3' end. VCF-style (leftmost placement, unchanged base first): chr9-113278953-TTTGAAA-T. GRCh37 (hg19) VCF-style: chr9-116041233-TTTGAAA-T.
Other names: c.-546_-541del (NM_001322266.2, NM_001322267.2); c.223_228del, p.Ile75_Glu76del (NM_004697.5).
Identifiers: ClinVar variation 1390159 (VCV001390159.8), dbSNP rs2118594139, ClinGen allele CA2573143781.